The following is an entry in ClinVar:

NM_153704.6(TMEM67):c.1674+5A>G

Gene: TMEM67 (transmembrane protein 67; plus strand). Cytogenetic location: 8q22.1.
Variant type: single nucleotide variant.
Coding change: c.1674+5A>G on transcript NM_153704.6 (MANE Select); 5 bases into the intron after coding-DNA position 1674, A replaced by G.
Molecular consequence: intron variant.
Genome position (GRCh38, 1-based): chr8:93,793,301, A>G. VCF-style: chr8-93793301-A-G. GRCh37 (hg19) VCF-style: chr8-94805529-A-G.
Other names: c.1431+5A>G (NM_001142301.1).
Identifiers: ClinVar variation 1938734 (VCV001938734.2), dbSNP rs863224813, ClinGen allele CA857041810.

ClinVar aggregate classification (germline): Uncertain significance (1 of 4 stars; one submission).

Conditions:
Joubert syndrome. Also called: CEREBELLOPARENCHYMAL DISORDER IV; JOUBERT-BOLTSHAUSER SYNDROME; Familial aplasia of the vermis. Identifiers: Orphanet 475, MedGen C5979921, MONDO:0018772.
Meckel-Gruber syndrome. Also called: DYSENCEPHALIA SPLANCHNOCYSTICA; GRUBER SYNDROME; Dysencephalia splachnocystica. Identifiers: Orphanet 564, MedGen C0265215, MONDO:0018921.

Allele frequency attached by ClinVar (database versions not stated): gnomAD 0.00001; TOPMed 0.00001.
gnomAD v4.1: 1 of 1,605,224 alleles (0.000062%); highest among the groups gnomAD compares: African/African-American, 0.0013%; no homozygotes.

Submission:

Labcorp Genetics (formerly Invitae), Labcorp
Classification: Uncertain significance for Joubert syndrome; Meckel-Gruber syndrome. Last evaluated: 2022-08-23. Review status: criteria provided, single submitter. Criteria: Invitae Variant Classification Sherloc (09022015). Collection method: clinical testing. Allele origin: germline.
Comment: This sequence change falls in intron 16 of the TMEM67 gene. It does not directly change the encoded amino acid sequence of the TMEM67 protein. It affects a nucleotide within the consensus splice site. This variant is not present in population databases (gnomAD no frequency). This variant has not been reported in the literature in individuals affected with TMEM67-related conditions. Variants that disrupt the consensus splice site are a relatively common cause of aberrant splicing (PMID: 17576681, 9536098). Algorithms developed to predict the effect of sequence changes on RNA splicing suggest that this variant is not likely to affect RNA splicing. In summary, the available evidence is currently insufficient to determine the role of this variant in disease. Therefore, it has been classified as a Variant of Uncertain Significance.

Literature cited by the submitters: PubMed 17576681; PubMed 9536098.